The following is an entry in ClinVar:

NM_014956.5(CEP164):c.2806A>T (p.Lys936Ter)

Gene: CEP164 (centrosomal protein 164; plus strand). Cytogenetic location: 11q23.3.
Variant type: single nucleotide variant.
Coding change: c.2806A>T on transcript NM_014956.5 (MANE Select); coding-DNA position 2806, A replaced by T.
Protein change: p.Lys936Ter; replaces lysine 936 with a stop codon.
Molecular consequence: nonsense.
Genome position (GRCh38, 1-based): chr11:117,394,965, A>T. VCF-style: chr11-117394965-A-T. GRCh37 (hg19) VCF-style: chr11-117265681-A-T.
Other names: c.2815A>T, p.Lys939Ter (NM_001271933.2, NM_001440949.1); c.2806A>T, p.Lys936Ter (NM_001440950.1, NM_001440951.1, NM_001440953.1); c.2641A>T, p.Lys881Ter (NM_001440952.1, NM_001440968.1, NM_001440969.1); c.2728A>T, p.Lys910Ter (NM_001440954.1, NM_001440955.1, NM_001440958.1 and 1 more transcripts); c.2719A>T, p.Lys907Ter (NM_001440956.1, NM_001440957.1); c.2677A>T, p.Lys893Ter (NM_001440960.1); c.2668A>T, p.Lys890Ter (NM_001440961.1, NM_001440967.1); c.2659A>T, p.Lys887Ter (NM_001440962.1, NM_001440963.1, NM_001440964.1 and 4 more transcripts); and 7 more; short protein forms K811*, K861*, K887*, K890*, K907*, K910*, K936*, K939*.
Identifiers: ClinVar variation 4713142 (VCV004713142.1).

ClinVar aggregate classification (germline): Pathogenic (1 of 4 stars; one submission).

Conditions:
Nephronophthisis 15 (NPHP15). Identifiers: Orphanet 3156, MedGen C3541853, MONDO:0013917, OMIM 614845.

Submission:

Labcorp Genetics (formerly Invitae), Labcorp
Classification: Pathogenic for Nephronophthisis 15. Last evaluated: 2025-02-15. Review status: criteria provided, single submitter. Criteria: Invitae Variant Classification Sherloc (09022015). Collection method: clinical testing. Allele origin: germline.
Comment: This sequence change creates a premature translational stop signal (p.Lys936*) in the CEP164 gene. It is expected to result in an absent or disrupted protein product. Loss-of-function variants in CEP164 are known to be pathogenic (PMID: 22863007, 28125082, 32367404, 34132027, 34499853). This variant is not present in population databases (gnomAD no frequency). This variant has not been reported in the literature in individuals affected with CEP164-related conditions. Algorithms developed to predict the effect of sequence changes on RNA splicing suggest that this variant may disrupt the consensus splice site. For these reasons, this variant has been classified as Pathogenic.

Literature cited by the submitters: PubMed 22863007; PubMed 28125082; PubMed 32367404; PubMed 34132027; PubMed 34499853.